The following is an entry in ClinVar:

ClinVar aggregate classification (germline): Conflicting classifications of pathogenicity. Review status: criteria provided, conflicting classifications (1 of 4 stars). 2 submissions from 2 submitters: Uncertain significance (1); Likely benign (1). Last evaluated 2026-01-22.

Conditions:
SLC39A14-related disorder. Also called: SLC39A14-related condition.

gnomAD v4.1: 22 of 1,613,372 alleles (0.0014%); highest among the groups gnomAD compares: Admixed American, 0.032%; no homozygotes.

Submissions (3):

Labcorp Genetics (formerly Invitae), Labcorp
Classification: Likely benign. Last evaluated: 2026-01-22. Review status: criteria provided, single submitter. Criteria: Invitae Variant Classification Sherloc (09022015). Collection method: clinical testing. Allele origin: germline.

PreventionGenetics, part of Exact Sciences
Classification: Uncertain significance for SLC39A14-related condition. Last evaluated: 2023-02-13. Review status: criteria provided, single submitter. Criteria: ACMG Guidelines, 2015. Collection method: clinical testing. Allele origin: germline.
Comment: The SLC39A14 c.24G>T variant is not predicted to result in an amino acid change (p.=). To our knowledge, this variant has not been reported in the literature. This variant is reported in 0.0087% of alleles in individuals of Latino descent in gnomAD. At this time, the clinical significance of this variant is uncertain due to the absence of conclusive functional and genetic evidence.

Dr. Peter K. Rogan Lab, Western University
No classification provided (evidence only). Condition: Nonpapillary renal cell carcinoma. Review status: no classification provided. Collection method: in vitro. Allele origin: not applicable. Functional consequence: retained intron. Not counted in ClinVar's aggregate classification.

NM_001128431.4(SLC39A14):c.24G>T (p.Pro8=)

Gene: SLC39A14 (solute carrier family 39 member 14; plus strand). Cytogenetic location: 8p21.3.
Variant type: single nucleotide variant.
Coding change: c.24G>T on transcript NM_001128431.4 (MANE Select); coding-DNA position 24, G replaced by T.
Protein change: p.Pro8=; no amino-acid change (proline 8 retained).
Molecular consequence: synonymous variant.
Genome position (GRCh38, 1-based): chr8:22,404,734, G>T. VCF-style: chr8-22404734-G-T. GRCh37 (hg19) VCF-style: chr8-22262247-G-T.
Other names: c.24G>T, p.Pro8= (NM_001135153.3, NM_001135154.3, NM_001351655.2 and 3 more transcripts); c.54G>T, p.Pro18= (NM_001351657.2, NM_001351658.2, NM_001351659.2); c.24G>T (NM_015359.4).
Identifiers: ClinVar variation 740837 (VCV000740837.10), dbSNP rs112568651, ClinGen allele CA4667208.
Genomic context (GRCh38, chr8:22,404,734, plus strand): 5'-CACCTGCCTTTTTCTCTCACAGGTTTATTCAGTCACCATGAAGCTGCTGCTGCTGCACCC[G>T]GCCTTCCAGAGCTGCCTCCTGCTGACCCTGCTTGGCTTATGGAGAACCACCCCTGAGGCT-3'
Protein context (NP_001121903.1, residues 1-18): MKLLLLH[Pro8=]AFQSCLLLTL